The following is an entry in ClinVar:

NM_003743.5(NCOA1):c.676G>A (p.Val226Met)

Gene: NCOA1 (nuclear receptor coactivator 1; plus strand). Cytogenetic location: 2p23.3.
Variant type: single nucleotide variant.
Coding change: c.676G>A on transcript NM_003743.5 (MANE Select); coding-DNA position 676, G replaced by A.
Protein change: p.Val226Met; replaces valine 226 with methionine.
Molecular consequence: missense variant.
Genome position (GRCh38, 1-based): chr2:24,691,624, G>A. VCF-style: chr2-24691624-G-A. GRCh37 (hg19) VCF-style: chr2-24914493-G-A.
Other names: c.676G>A, p.Val226Met (NM_001362950.1, NM_001362952.1, NM_001362954.1 and 3 more transcripts); short protein forms V226M.
Identifiers: ClinVar variation 4997771 (VCV004997771.1).

ClinVar aggregate classification (germline): Uncertain significance (1 of 4 stars; one submission).

Conditions:
NCOA1-related disorder. Also called: NCOA1-related condition.

Submission:

PreventionGenetics, part of Exact Sciences
Classification: Uncertain significance for NCOA1-related condition. Last evaluated: 2024-10-13. Review status: criteria provided, single submitter. Criteria: ACMG Guidelines, 2015. Collection method: clinical testing. Allele origin: germline.
Comment: The NCOA1 c.676G>A variant is predicted to result in the amino acid substitution p.Val226Met. To our knowledge, this variant has not been reported in the literature or in a large population database (gnomAD), indicating this variant is rare. At this time, the clinical significance of this variant is uncertain due to the absence of conclusive functional and genetic evidence.